The following is an entry in ClinVar:

NM_001282531.3(ADNP):c.2287del (p.Ser763fs)

Gene: ADNP (activity dependent neuroprotector homeobox; minus strand). Cytogenetic location: 20q13.13.
Variant type: Deletion.
Coding change: c.2287del on transcript NM_001282531.3 (MANE Select); coding-DNA position 2287, one base deleted (T; older notation c.2287delT).
Protein change: p.Ser763fs; shifts the reading frame from serine 763.
Molecular consequence: frameshift variant.
Genome position (GRCh38, 1-based): chr20:50,892,427, A deleted on the plus strand (T on the coding strand, the reverse complement: ADNP is on the minus strand); the first of 2 consecutive A bases (chr20:50,892,427-50,892,428); deleting either gives the same sequence. VCF-style (leftmost placement, unchanged base first): chr20-50892426-GA-G. GRCh37 (hg19) VCF-style: chr20-49508963-GA-G.
Other names: c.2287del, p.Ser763fs (NM_001282532.2, NM_001347511.2, NM_015339.5 and 1 more transcripts); short protein forms S763fs.
Identifiers: ClinVar variation 521175 (VCV000521175.4), dbSNP rs1555809919, ClinGen allele CA658799376.

ClinVar aggregate classification (germline): Pathogenic (1 of 4 stars; one submission).

Conditions:
Inborn genetic diseases. Identifiers: MedGen C0950123, MeSH D030342.
ADNP-related multiple congenital anomalies - intellectual disability - autism spectrum disorder. Also called: Helsmoortel-Van der Aa Syndrome; ADNP-Related Helsmoortel-Van der Aa Syndrome. Identifiers: Orphanet 404448, MedGen C4014538, MONDO:0014379, OMIM 615873. Disease mechanism: loss of function.

Submission:

Ambry Genetics
Classification: Pathogenic for Inborn genetic diseases. Last evaluated: 2016-07-05. Review status: criteria provided, single submitter. Criteria: Ambry exome assertion method (8-5-2015). Collection method: clinical testing. Allele origin: germline. Affected: yes. Observed: 1 variant allele.